The following is an entry in ClinVar:

ClinVar aggregate classification (germline): Uncertain significance. Review status: criteria provided, multiple submitters, no conflicts (2 of 4 stars). 3 submissions from 3 submitters: Uncertain significance (3). Last evaluated 2026-03-11.

Conditions:
TTN-related disorder. Also called: TTN-related condition; TTN-related disease; TTN-related disorders.
Dilated cardiomyopathy 1G (CMD1G). Identifiers: Orphanet 154, MedGen C1858763, MONDO:0011400, OMIM 604145.
Autosomal recessive limb-girdle muscular dystrophy type 2J (LGMDR10). Also called: Limb-girdle muscular dystrophy, type 2J; MUSCULAR DYSTROPHY, LIMB-GIRDLE, AUTOSOMAL RECESSIVE 10. Identifiers: Orphanet 140922, MedGen C1837342, MONDO:0012127, OMIM 608807.

Allele frequency attached by ClinVar (database versions not stated): ExAC 0.00004; 1000 Genomes Project 30x 0.00016; 1000 Genomes Project 0.00020; gnomAD 0.00001 and 0.00002; gnomAD exomes 0.00002 and 0.00003.
gnomAD v4.1: 26 of 1,613,842 alleles (0.0016%); highest among the groups gnomAD compares: South Asian, 0.016%; no homozygotes.

Submissions (3):

PreventionGenetics, part of Exact Sciences
Classification: Uncertain significance for TTN-related condition. Last evaluated: 2026-03-11. Review status: criteria provided, single submitter. Criteria: ACMG Guidelines, 2015. Collection method: clinical testing. Allele origin: germline.
Comment: The TTN c.102329G>A variant is predicted to result in the amino acid substitution p.Arg34110Gln. To our knowledge, this variant has not been reported in the literature. This variant is reported in 0.013% of alleles in individuals of South Asian descent in gnomAD. At this time, the clinical significance of this variant is uncertain due to the absence of conclusive functional and genetic evidence.

Labcorp Genetics (formerly Invitae), Labcorp
Classification: Uncertain significance for Dilated cardiomyopathy 1G; Autosomal recessive limb-girdle muscular dystrophy type 2J. Last evaluated: 2022-12-28. Review status: criteria provided, single submitter. Criteria: Invitae Variant Classification Sherloc (09022015). Collection method: clinical testing. Allele origin: germline.
Comment: ClinVar contains an entry for this variant (Variation ID: 196652). This variant has not been reported in the literature in individuals affected with TTN-related conditions. This variant is present in population databases (rs565347600, gnomAD 0.01%). This sequence change replaces arginine, which is basic and polar, with glutamine, which is neutral and polar, at codon 34110 of the TTN protein (p.Arg34110Gln). Experimental studies and prediction algorithms are not available or were not evaluated, and the functional significance of this variant is currently unknown. In summary, the available evidence is currently insufficient to determine the role of this variant in disease. Therefore, it has been classified as a Variant of Uncertain Significance. This variant is located in the M band of TTN (PMID: 25589632). Variants in this region may be relevant for neuromuscular disorders, but have not been definitively shown to cause cardiomyopathy (PMID: 23975875).

Eurofins Ntd Llc (ga)
Classification: Uncertain significance. Last evaluated: 2015-03-25. Review status: criteria provided, single submitter. Criteria: EGL Classification Definitions 2015. Collection method: clinical testing. Allele origin: germline. Observed: 2 variant alleles, 2 heterozygotes.

Literature cited by the submitters: PubMed 25589632 (cited by Labcorp Genetics (formerly Invitae), Labcorp); PubMed 23975875 (cited by Labcorp Genetics (formerly Invitae), Labcorp).

NM_001267550.2(TTN):c.102329G>A (p.Arg34110Gln)

Genes: TTN (titin; minus strand), TTN-AS1 (TTN antisense RNA 1; plus strand). Cytogenetic location: 2q31.2.
Variant type: single nucleotide variant.
Coding change: c.102329G>A on transcript NM_001267550.2 (MANE Select); coding-DNA position 102329, G replaced by A.
Protein change: p.Arg34110Gln; replaces arginine 34110 with glutamine.
Molecular consequence: missense variant.
Genome position (GRCh38, 1-based): chr2:178,534,286, C>T on the plus strand (G>A on the coding strand, the complement: TTN is on the minus strand). VCF-style: chr2-178534286-C-T. GRCh37 (hg19) VCF-style: chr2-179399013-C-T.
Other names: c.97406G>A, p.Arg32469Gln (NM_001256850.1); c.75134G>A, p.Arg25045Gln (NM_003319.4); c.94625G>A, p.Arg31542Gln (NM_133378.4); c.75509G>A, p.Arg25170Gln (NM_133432.3); c.75710G>A, p.Arg25237Gln (NM_133437.4); short protein forms R34110Q, R31542Q, R25237Q, R25045Q, R25170Q, R32469Q.
Identifiers: ClinVar variation 196652 (VCV000196652.10), dbSNP rs565347600, ClinGen allele CA243690.